The following is an entry in ClinVar:

ClinVar aggregate classification (germline): Uncertain significance (1 of 4 stars; one submission).

Allele frequency attached by ClinVar (database versions not stated): gnomAD 0.00001; gnomAD exomes 0.00001.
gnomAD v4.1: 12 of 1,614,000 alleles (0.00074%); highest among the groups gnomAD compares: South Asian, 0.0099%; 1 homozygote.

Submission:

GeneDx
Classification: Uncertain significance. Last evaluated: 2022-05-08. Review status: criteria provided, single submitter. Criteria: GeneDx Variant Classification Process June 2021. Collection method: clinical testing. Allele origin: germline. Affected: yes.
Comment: In silico analysis supports that this missense variant has a deleterious effect on protein structure/function; Has not been previously published as pathogenic or benign to our knowledge

NM_003982.4(SLC7A7):c.1201C>T (p.Leu401Phe)

Gene: SLC7A7 (solute carrier family 7 member 7; minus strand). Cytogenetic location: 14q11.2.
Variant type: single nucleotide variant.
Coding change: c.1201C>T on transcript NM_003982.4 (MANE Select); coding-DNA position 1201, C replaced by T.
Protein change: p.Leu401Phe; replaces leucine 401 with phenylalanine.
Molecular consequence: missense variant.
Genome position (GRCh38, 1-based): chr14:22,774,398, G>A on the plus strand (C>T on the coding strand, the complement: SLC7A7 is on the minus strand). VCF-style: chr14-22774398-G-A. GRCh37 (hg19) VCF-style: chr14-23243607-G-A.
Other names: c.1201C>T, p.Leu401Phe (NM_001126105.3, NM_001126106.4); short protein forms L401F.
Identifiers: ClinVar variation 1723700 (VCV001723700.2), dbSNP rs1425984204, ClinGen allele CA388921731.